The following is an entry in ClinVar:

NM_000642.3(AGL):c.3833C>T (p.Pro1278Leu)

Gene: AGL (amylo-alpha-1,6-glucosidase and 4-alpha-glucanotransferase; plus strand). Cytogenetic location: 1p21.2.
Variant type: single nucleotide variant.
Coding change: c.3833C>T on transcript NM_000642.3 (MANE Select); coding-DNA position 3833, C replaced by T.
Protein change: p.Pro1278Leu; replaces proline 1278 with leucine.
Molecular consequence: missense variant.
Genome position (GRCh38, 1-based): chr1:99,910,844, C>T. VCF-style: chr1-99910844-C-T. GRCh37 (hg19) VCF-style: chr1-100376400-C-T.
Other names: c.3455C>T, p.Pro1152Leu (NM_001425332.1); c.3629C>T, p.Pro1210Leu (NM_001425328.1); c.3494C>T, p.Pro1165Leu (NM_001425329.1); c.3833C>T, p.Pro1278Leu (NM_000028.3, NM_000643.3, NM_000644.3 and 1 more transcripts); c.3785C>T, p.Pro1262Leu (NM_000646.3); c.3812C>T, p.Pro1271Leu (NM_001425326.1); c.3632C>T, p.Pro1211Leu (NM_001425327.1); short protein forms P1262L, P1278L, P1152L, P1165L, P1210L, P1211L, P1271L.
Identifiers: ClinVar variation 2105725 (VCV002105725.4), dbSNP rs755560142, ClinGen allele CA27553651.
Genomic context (GRCh38, chr1:99,910,844, plus strand): 5'-CATGGATGGATAAAATGGGAGAAAGTGACAGAGCTAGAAACAGAGGAATCCCAGCCACAC[C>T]AAGGTAGTGTAAATGTTATAATGCTGTGTAATTATACCCTTCTTTAAGAAAGCACTTACT-3'
Protein context (NP_000633.2, residues 1268-1288): RARNRGIPAT[Pro1278Leu]RDGSAVEIVG

ClinVar aggregate classification (germline): Uncertain significance (1 of 4 stars; one submission).

Conditions:
Glycogen storage disease type III (GSD3). Also called: FORBES DISEASE; Cori disease. Identifiers: Orphanet 366, MedGen C0017922, MONDO:0009291, OMIM 232400.

Submission:

Labcorp Genetics (formerly Invitae), Labcorp
Classification: Uncertain significance for Glycogen storage disease type III. Last evaluated: 2022-03-02. Review status: criteria provided, single submitter. Criteria: Invitae Variant Classification Sherloc (09022015). Collection method: clinical testing. Allele origin: germline.
Comment: This sequence change replaces proline, which is neutral and non-polar, with leucine, which is neutral and non-polar, at codon 1278 of the AGL protein (p.Pro1278Leu). In summary, the available evidence is currently insufficient to determine the role of this variant in disease. Therefore, it has been classified as a Variant of Uncertain Significance. Algorithms developed to predict the effect of missense changes on protein structure and function (SIFT, PolyPhen-2, Align-GVGD) all suggest that this variant is likely to be disruptive. This variant has not been reported in the literature in individuals affected with AGL-related conditions. This variant is not present in population databases (gnomAD no frequency).